The following is an entry in ClinVar:

NM_025099.6(CTC1):c.3413T>A (p.Met1138Lys)

Gene: CTC1 (CST telomere replication complex component 1; minus strand). Cytogenetic location: 17p13.1.
Variant type: single nucleotide variant.
Coding change: c.3413T>A on transcript NM_025099.6 (MANE Select); coding-DNA position 3413, T replaced by A.
Protein change: p.Met1138Lys; replaces methionine 1138 with lysine.
Molecular consequence: missense variant. On other transcripts: non-coding transcript variant (1).
Genome position (GRCh38, 1-based): chr17:8,228,604, A>T on the plus strand (T>A on the coding strand, the complement: CTC1 is on the minus strand). VCF-style: chr17-8228604-A-T. GRCh37 (hg19) VCF-style: chr17-8131922-A-T.
Other names: short protein forms M1138K.
Identifiers: ClinVar variation 648663 (VCV000648663.6), dbSNP rs376216450, ClinGen allele CA8371776.

ClinVar aggregate classification (germline): Uncertain significance (1 of 4 stars; one submission).

Conditions:
Dyskeratosis congenita. Identifiers: Orphanet 1775, MedGen C0265965, MONDO:0015780.

Allele frequency attached by ClinVar (database versions not stated): TOPMed below 0.00001; ExAC 0.00001; gnomAD exomes 0.00001; ESP Exome Variant Server 0.00008.

Submission:

Labcorp Genetics (formerly Invitae), Labcorp
Classification: Uncertain significance for Dyskeratosis congenita. Last evaluated: 2021-08-24. Review status: criteria provided, single submitter. Criteria: Invitae Variant Classification Sherloc (09022015). Collection method: clinical testing. Allele origin: germline.
Comment: This sequence change replaces methionine with lysine at codon 1138 of the CTC1 protein (p.Met1138Lys). The methionine residue is moderately conserved and there is a moderate physicochemical difference between methionine and lysine. This variant is present in population databases (rs376216450, ExAC 0.001%). This variant has not been reported in the literature in individuals affected with CTC1-related conditions. Algorithms developed to predict the effect of missense changes on protein structure and function are either unavailable or do not agree on the potential impact of this missense change (SIFT: "Deleterious"; PolyPhen-2: "Benign"; Align-GVGD: "Class C55"). In summary, the available evidence is currently insufficient to determine the role of this variant in disease. Therefore, it has been classified as a Variant of Uncertain Significance.